The following is an entry in ClinVar:

ClinVar aggregate classification (germline): Uncertain significance (1 of 4 stars; one submission).

Allele frequency attached by ClinVar (database versions not stated): 1000 Genomes Project 30x 0.00047; 1000 Genomes Project 0.00060.

Submission:

Labcorp Genetics (formerly Invitae), Labcorp
Classification: Uncertain significance. Last evaluated: 2023-08-30. Review status: criteria provided, single submitter. Criteria: Invitae Variant Classification Sherloc (09022015). Collection method: clinical testing. Allele origin: germline.
Comment: This sequence change replaces arginine, which is basic and polar, with cysteine, which is neutral and slightly polar, at codon 96 of the UCP2 protein (p.Arg96Cys). This variant is present in population databases (rs11549044, gnomAD 0.03%). This variant has not been reported in the literature in individuals affected with UCP2-related conditions. An algorithm developed to predict the effect of missense changes on protein structure and function (PolyPhen-2) suggests that this variant is likely to be disruptive. In summary, the available evidence is currently insufficient to determine the role of this variant in disease. Therefore, it has been classified as a Variant of Uncertain Significance.

NM_003355.3(UCP2):c.286C>T (p.Arg96Cys)

Gene: UCP2 (uncoupling protein 2; minus strand). Cytogenetic location: 11q13.4.
Variant type: single nucleotide variant.
Coding change: c.286C>T on transcript NM_003355.3 (MANE Select); coding-DNA position 286, C replaced by T.
Protein change: p.Arg96Cys; replaces arginine 96 with cysteine.
Molecular consequence: missense variant.
Genome position (GRCh38, 1-based): chr11:73,977,937, G>A on the plus strand (C>T on the coding strand, the complement: UCP2 is on the minus strand). VCF-style: chr11-73977937-G-A. GRCh37 (hg19) VCF-style: chr11-73688982-G-A.
Other names: c.286C>T, p.Arg96Cys (NM_001381949.1, NM_001381950.1, NM_001381943.1 and 4 more transcripts); short protein forms R96C.
Identifiers: ClinVar variation 3014319 (VCV003014319.3), dbSNP rs11549044, ClinGen allele CA6181191.